The following is an entry in ClinVar:

ClinVar aggregate classification (germline): Pathogenic (1 of 4 stars; one submission).

Conditions:
Niemann-Pick disease, type C1. Also called: NEUROVISCERAL STORAGE DISEASE WITH VERTICAL SUPRANUCLEAR OPHTHALMOPLEGIA; NIEMANN-PICK DISEASE WITH CHOLESTEROL ESTERIFICATION BLOCK; NIEMANN-PICK DISEASE WITHOUT SPHINGOMYELINASE DEFICIENCY; NIEMANN-PICK DISEASE, CHRONIC NEURONOPATHIC FORM; NIEMANN-PICK DISEASE, VARIANT TYPE C1. Identifiers: Orphanet 646, MedGen C3179455, MONDO:0009757, OMIM 257220.

Submission:

Labcorp Genetics (formerly Invitae), Labcorp
Classification: Pathogenic for Niemann-Pick disease, type C1. Last evaluated: 2022-10-27. Review status: criteria provided, single submitter. Criteria: Invitae Variant Classification Sherloc (09022015). Collection method: clinical testing. Allele origin: unknown.
Comment: For these reasons, this variant has been classified as Pathogenic. A similar copy number variant has been observed in individual(s) with Niemann-Pick type C (PMID: 23433426, 30285904). This variant is a gross deletion of the genomic region encompassing exon(s) 1-6 of the NPC1 gene, which includes the initiator codon. This deletion extends beyond the assayed region for this gene and therefore may encompass additional genes. It is expected to result in an absent or disrupted protein product. Loss-of-function variants in NPC1 are known to be pathogenic (PMID: 9211850).

Literature cited by the submitters: PubMed 23433426; PubMed 30285904; PubMed 9211850.

NC_000018.9:g.(?_21140185)_(21166317_?)del

Gene: NPC1 (NPC intracellular cholesterol transporter 1; minus strand). Cytogenetic location: 18q11.2.
Variant type: Deletion.
Identifiers: ClinVar variation 3242763 (VCV003242763.1).